The following is an entry in ClinVar:

ClinVar aggregate classification (germline): Likely pathogenic (0 of 4 stars; one submission).

Submission:

Richard Lifton Laboratory, Yale University School of Medicine
Classification: Likely pathogenic. Review status: no assertion criteria provided. Collection method: not provided. Allele origin: somatic.
Comment: KCNJ5
ClinVar note: Converted during submission from probable-pathogenic to Likely pathogenic.

NM_000890.5(KCNJ5):c.503T>G (p.Leu168Arg)

Gene: KCNJ5 (potassium inwardly rectifying channel subfamily J member 5; plus strand). Cytogenetic location: 11q24.3.
Variant type: single nucleotide variant.
Coding change: c.503T>G on transcript NM_000890.5 (MANE Select); coding-DNA position 503, T replaced by G.
Protein change: p.Leu168Arg; replaces leucine 168 with arginine.
Molecular consequence: missense variant.
Genome position (GRCh38, 1-based): chr11:128,911,776, T>G. VCF-style: chr11-128911776-T-G. GRCh37 (hg19) VCF-style: chr11-128781671-T-G.
Other names: c.503T>G (LRG_333t1); c.503T>G, p.Leu168Arg (NM_001354169.2); short protein forms L168R.
Identifiers: ClinVar variation 91917 (VCV000091917.2), dbSNP rs386352318, ClinGen allele CA232154.